The following is an entry in ClinVar:

NM_152743.4(BRAT1):c.1395+4C>T

Gene: BRAT1 (BRCA1 associated ATM activator 1; minus strand). Cytogenetic location: 7p22.3.
Variant type: single nucleotide variant.
Coding change: c.1395+4C>T on transcript NM_152743.4 (MANE Select); 4 bases into the intron after coding-DNA position 1395, C replaced by T.
Molecular consequence: intron variant.
Genome position (GRCh38, 1-based): chr7:2,540,975, G>A on the plus strand (C>T on the coding strand, the complement: BRAT1 is on the minus strand). VCF-style: chr7-2540975-G-A. GRCh37 (hg19) VCF-style: chr7-2580609-G-A.
Other names: c.870+4C>T (NM_001350627.2); c.1395+4C>T (NM_001350626.2).
Identifiers: ClinVar variation 472940 (VCV000472940.13), dbSNP rs550539572, ClinGen allele CA4127774.

ClinVar aggregate classification (germline): Likely benign. Review status: criteria provided, multiple submitters, no conflicts (2 of 4 stars). 3 submissions from 3 submitters: Likely benign (3). Last evaluated 2025-11-09.

Conditions:
BRAT1-related disorder. Also called: BRAT1-related disorders; BRAT1-related condition.
Neonatal-onset encephalopathy with rigidity and seizures. Also called: Lethal neonatal spasticity-epileptic encephalopathy syndrome. Identifiers: Orphanet 435845, MedGen C3281029, MONDO:0013784, OMIM 614498.

Allele frequency attached by ClinVar (database versions not stated): 1000 Genomes Project 30x 0.00078; TOPMed 0.00002; gnomAD 0.00003; gnomAD exomes 0.00025; ExAC 0.00049; 1000 Genomes Project 0.00060.
gnomAD v4.1: 162 of 1,545,762 alleles (0.01%); highest among the groups gnomAD compares: South Asian, 0.16%; no homozygotes.

Submissions (3):

Labcorp Genetics (formerly Invitae), Labcorp
Classification: Likely benign for Neonatal-onset encephalopathy with rigidity and seizures. Last evaluated: 2025-11-09. Review status: criteria provided, single submitter. Criteria: Invitae Variant Classification Sherloc (09022015). Collection method: clinical testing. Allele origin: germline.

PreventionGenetics, part of Exact Sciences
Classification: Likely benign for BRAT1-related condition. Last evaluated: 2025-03-06. Review status: criteria provided, single submitter. Criteria: ACMG Guidelines, 2015. Collection method: clinical testing. Allele origin: germline.
Comment: This variant is classified as likely benign based on ACMG/AMP sequence variant interpretation guidelines (Richards et al. 2015 PMID: 25741868, with internal and published modifications).

Blueprint Genetics
Classification: Likely benign. Last evaluated: 2024-10-23. Review status: criteria provided, single submitter. Criteria: ACMG Guidelines, 2015. Collection method: clinical testing. Allele origin: germline.